The following is an entry in ClinVar:

NM_000091.5(COL4A3):c.2355A>C (p.Glu785Asp)

Genes: COL4A3 (collagen type IV alpha 3 chain; plus strand), MFF-DT (MFF divergent transcript; minus strand). Cytogenetic location: 2q36.3.
Variant type: single nucleotide variant.
Coding change: c.2355A>C on transcript NM_000091.5 (MANE Select); coding-DNA position 2355, A replaced by C.
Protein change: p.Glu785Asp; replaces glutamic acid 785 with aspartic acid.
Molecular consequence: missense variant.
Genome position (GRCh38, 1-based): chr2:227,280,571, A>C. VCF-style: chr2-227280571-A-C. GRCh37 (hg19) VCF-style: chr2-228145287-A-C.
Other names: short protein forms E785D.
Identifiers: ClinVar variation 1358246 (VCV001358246.9), dbSNP rs2106152150, ClinGen allele CA350849301.

ClinVar aggregate classification (germline): Uncertain significance. Review status: criteria provided, multiple submitters, no conflicts (2 of 4 stars). 2 submissions from 2 submitters: Uncertain significance (2). Last evaluated 2025-05-22.

Conditions:
Autosomal dominant Alport syndrome (ATS3A). Also called: ALPORT SYNDROME 3A, AUTOSOMAL DOMINANT; Alport syndrome dominant type; Renal failure and sensorineural hearing loss. Identifiers: Orphanet 63, Orphanet 88918, MedGen C5882663, MONDO:0007086, OMIM 104200.
Hematuria, benign familial, 2 (BFH2). Identifiers: MedGen C5830421, MONDO:0958186, OMIM 620320.
Alport syndrome 3b, autosomal recessive. Identifiers: MedGen C5882699, MONDO:0957811, OMIM 620536.

Submissions (2):

Labcorp Genetics (formerly Invitae), Labcorp
Classification: Uncertain significance. Last evaluated: 2025-05-22. Review status: criteria provided, single submitter. Criteria: Invitae Variant Classification Sherloc (09022015). Collection method: clinical testing. Allele origin: germline.
Comment: This sequence change replaces glutamic acid, which is acidic and polar, with aspartic acid, which is acidic and polar, at codon 785 of the COL4A3 protein (p.Glu785Asp). This variant is not present in population databases (gnomAD no frequency). This variant has not been reported in the literature in individuals affected with COL4A3-related conditions. ClinVar contains an entry for this variant (Variation ID: 1358246). Invitae Evidence Modeling of protein sequence and biophysical properties (such as structural, functional, and spatial information, amino acid conservation, physicochemical variation, residue mobility, and thermodynamic stability) indicates that this missense variant is not expected to disrupt COL4A3 protein function with a negative predictive value of 95%. In summary, the available evidence is currently insufficient to determine the role of this variant in disease. Therefore, it has been classified as a Variant of Uncertain Significance.

Fulgent Genetics
Classification: Uncertain significance for Autosomal dominant Alport syndrome; Hematuria, benign familial, 2; Alport syndrome 3b, autosomal recessive. Last evaluated: 2024-03-07. Review status: criteria provided, single submitter. Criteria: ACMG Guidelines, 2015. Collection method: clinical testing. Allele origin: germline.